The following is an entry in ClinVar:

NM_032043.3(BRIP1):c.3084T>G (p.Asn1028Lys)

Gene: BRIP1 (BRCA1 interacting DNA helicase 1; minus strand). Cytogenetic location: 17q23.2.
Variant type: single nucleotide variant.
Coding change: c.3084T>G on transcript NM_032043.3 (MANE Select); coding-DNA position 3084, T replaced by G.
Protein change: p.Asn1028Lys; replaces asparagine 1028 with lysine.
Molecular consequence: missense variant.
Genome position (GRCh38, 1-based): chr17:61,683,962, A>C on the plus strand (T>G on the coding strand, the complement: BRIP1 is on the minus strand). VCF-style: chr17-61683962-A-C. GRCh37 (hg19) VCF-style: chr17-59761323-A-C.
Other names: short protein forms N1028K.
Identifiers: ClinVar variation 483149 (VCV000483149.20), dbSNP rs1424179519, ClinGen allele CA400479817.

ClinVar aggregate classification (germline): Uncertain significance. Review status: criteria provided, multiple submitters, no conflicts (2 of 4 stars). 3 submissions from 3 submitters: Uncertain significance (3). Last evaluated 2024-08-08.

Conditions:
Fanconi anemia complementation group J. Also called: BRIP1-Related Fanconi Anemia. Identifiers: Orphanet 84, MedGen C1836860, MONDO:0012187, OMIM 609054.
Familial cancer of breast. Also called: BREAST CANCER, FAMILIAL; Hereditary breast cancer; hereditary breast carcinoma. Identifiers: Orphanet 227535, MedGen C0346153, MONDO:0016419, OMIM 114480. Disease mechanism: loss of function.
Hereditary cancer-predisposing syndrome. Also called: Hereditary neoplastic syndrome; Neoplastic Syndromes, Hereditary; Tumor predisposition; Hereditary Cancer Syndrome. Identifiers: Orphanet 140162, MedGen C0027672, MeSH D009386, MONDO:0015356.

gnomAD v4.1: 1 of 1,614,190 alleles (0.000062%); no homozygotes.

Submissions (3):

Labcorp Genetics (formerly Invitae), Labcorp
Classification: Uncertain significance for Familial cancer of breast; Fanconi anemia complementation group J. Last evaluated: 2024-08-08. Review status: criteria provided, single submitter. Criteria: Invitae Variant Classification Sherloc (09022015). Collection method: clinical testing. Allele origin: germline.
Comment: This sequence change replaces asparagine, which is neutral and polar, with lysine, which is basic and polar, at codon 1028 of the BRIP1 protein (p.Asn1028Lys). This variant is not present in population databases (gnomAD no frequency). This variant has not been reported in the literature in individuals affected with BRIP1-related conditions. ClinVar contains an entry for this variant (Variation ID: 483149). An algorithm developed to predict the effect of missense changes on protein structure and function (PolyPhen-2) suggests that this variant is likely to be tolerated. In summary, the available evidence is currently insufficient to determine the role of this variant in disease. Therefore, it has been classified as a Variant of Uncertain Significance.

Ambry Genetics
Classification: Uncertain significance for Hereditary cancer-predisposing syndrome. Last evaluated: 2024-06-07. Review status: criteria provided, single submitter. Criteria: Ambry Variant Classification Scheme 2023. Collection method: clinical testing. Allele origin: germline.
Comment: The p.N1028K variant (also known as c.3084T>G), located in coding exon 19 of the BRIP1 gene, results from a T to G substitution at nucleotide position 3084. The asparagine at codon 1028 is replaced by lysine, an amino acid with similar properties. This amino acid position is poorly conserved in available vertebrate species. In addition, this alteration is predicted to be tolerated by in silico analysis. Since supporting evidence is limited at this time, the clinical significance of this alteration remains unclear.

Color Diagnostics, LLC DBA Color Health
Classification: Uncertain significance for Hereditary cancer-predisposing syndrome. Last evaluated: 2023-12-05. Review status: criteria provided, single submitter. Criteria: ACMG Guidelines, 2015. Collection method: clinical testing. Allele origin: germline.
Comment: This missense variant replaces asparagine with lysine at codon 1028 of the BRIP1 protein. Computational prediction suggests that this variant may not impact protein structure and function (internally defined REVEL score threshold <= 0.5, PMID: 27666373). To our knowledge, functional studies have not been reported for this variant. This variant has not been reported in individuals affected with BRIP1-related disorders in the literature. This variant has not been identified in the general population by the Genome Aggregation Database (gnomAD). The available evidence is insufficient to determine the role of this variant in disease conclusively. Therefore, this variant is classified as a Variant of Uncertain Significance.